The following is an entry in ClinVar:

NM_001378454.1(ALMS1):c.11199TTC[1] (p.Ser3735del)

Gene: ALMS1 (ALMS1 centrosome and basal body associated protein; plus strand). Cytogenetic location: 2p13.1.
Variant type: Microsatellite.
Coding change: c.11199TTC[1] on transcript NM_001378454.1 (MANE Select); one copy of the 3-base unit TTC starting at c.11199; the reference has two copies in a row; one copy, 3 bases deleted.
Protein change: p.Ser3735del; deletes serine 3735.
Molecular consequence: inframe deletion.
Genome position (GRCh38, 1-based): chr2:73,573,079-73,573,081, TTC deleted; deleting any 3 consecutive bases within chr2:73,573,075-73,573,081 gives the same sequence; the position shown is the placement nearest the transcript's 3' end. VCF-style (leftmost placement, unchanged base first): chr2-73573074-ACTT-A. GRCh37 (hg19) VCF-style: chr2-73800201-ACTT-A.
Other names: c.11202TTC[1], p.Ser3736del (NM_015120.4); c.11205_11207delTTC (NM_015120.4); short protein forms S3736del, S3735del.
Identifiers: ClinVar variation 3287453 (VCV003287453.1).

ClinVar aggregate classification (germline): Uncertain significance (1 of 4 stars; one submission).

Conditions:
Cardiovascular phenotype. Identifiers: MedGen CN230736.

Submission:

Ambry Genetics
Classification: Uncertain significance for Cardiovascular phenotype. Last evaluated: 2024-03-19. Review status: criteria provided, single submitter. Criteria: Ambry Variant Classification Scheme 2023. Collection method: clinical testing. Allele origin: germline.
Comment: The c.11205_11207delTTC variant (also known as p.S3736del) is located in coding exon 16 of the ALMS1 gene. This variant results from an in-frame TTC deletion at nucleotide positions 11205 to 11207. This results in the in-frame deletion of a serine at codon 3736. This amino acid position is highly conserved in available vertebrate species. In addition, this alteration is predicted to be deleterious by in silico analysis (Choi Y et al. PLoS ONE. 2012; 7(10):e46688). Based on the available evidence, the clinical significance of this alteration remains unclear.